The following is an entry in ClinVar:

ClinVar aggregate classification (germline): Pathogenic (1 of 4 stars; one submission).

Conditions:
Hereditary breast ovarian cancer syndrome. Also called: Hereditary breast and/or ovarian cancer syndrome; Hereditary breast and ovarian cancer; BRCA1- and BRCA2-Associated Hereditary Breast and Ovarian Cancer; Hereditary breast and ovarian cancer syndrome; Hereditary breast and ovarian cancer syndrome (HBOC); Breast and ovarian cancer. Identifiers: Orphanet 145, MedGen C0677776, MeSH D061325, MONDO:0003582. Disease mechanism: loss of function.

Submission:

Women's Health and Genetics/Laboratory Corporation of America, LabCorp
Classification: Pathogenic for Hereditary breast ovarian cancer syndrome. Last evaluated: 2025-02-21. Review status: criteria provided, single submitter. Criteria: LabCorp Variant Classification Summary - May 2015. Collection method: clinical testing. Allele origin: germline.
Comment: Variant summary: BRCA2 c.2972dupA (p.Asn991LysfsX18) results in a premature termination codon, predicted to cause a truncation of the encoded protein or absence of the protein due to nonsense mediated decay, which are commonly known mechanisms for disease. The variant was absent in 250428 control chromosomes. To our knowledge, no occurrence of c.2972dupA in individuals affected with Hereditary Breast And Ovarian Cancer Syndrome and no experimental evidence demonstrating its impact on protein function have been reported. No submitters have cited clinical-significance assessments for this variant to ClinVar. Based on the evidence outlined above, the variant was classified as pathogenic.

NM_000059.4(BRCA2):c.2972dup (p.Asn991fs)

Gene: BRCA2 (BRCA2 DNA repair associated; plus strand). Cytogenetic location: 13q13.1.
Variant type: Duplication.
Coding change: c.2972dup on transcript NM_000059.4 (MANE Select); coding-DNA position 2972, one base duplicated (A; older notation c.2972dupA).
Protein change: p.Asn991fs; shifts the reading frame from asparagine 991.
Molecular consequence: frameshift variant. On other transcripts: non-coding transcript variant (1), intron variant (2).
Genome position (GRCh38, 1-based): chr13:32,337,327, A duplicated; the last of 2 consecutive A bases (chr13:32,337,326-32,337,327); duplicating either gives the same sequence. VCF-style (leftmost placement, unchanged base first): chr13-32337325-G-GA. GRCh37 (hg19) VCF-style: chr13-32911462-G-GA.
Other names: c.2972dup, p.Asn991fs (NM_001406719.1, NM_001406720.1, NM_001432077.1); c.1909+3940dup (NM_001406721.1); c.424+6297dup (NM_001406722.1); c.2972dupA (NM_000059.4); short protein forms N991fs.
Identifiers: ClinVar variation 3768906 (VCV003768906.1).